The following is an entry in ClinVar:

NM_005045.4(RELN):c.9091A>T (p.Ile3031Phe)

Genes: RELN (reelin; minus strand), SLC26A5-AS1 (SLC26A5 antisense RNA 1; plus strand). Cytogenetic location: 7q22.1.
Variant type: single nucleotide variant.
Coding change: c.9091A>T on transcript NM_005045.4 (MANE Select); coding-DNA position 9091, A replaced by T.
Protein change: p.Ile3031Phe; replaces isoleucine 3031 with phenylalanine.
Molecular consequence: missense variant.
Genome position (GRCh38, 1-based): chr7:103,496,628, T>A on the plus strand (A>T on the coding strand, the complement: RELN is on the minus strand). VCF-style: chr7-103496628-T-A. GRCh37 (hg19) VCF-style: chr7-103137075-T-A.
Other names: c.9091A>T, p.Ile3031Phe (NM_173054.3); short protein forms I3031F.
Identifiers: ClinVar variation 1404411 (VCV001404411.29), dbSNP rs773318461, ClinGen allele CA4420293.

ClinVar aggregate classification (germline): Uncertain significance. Review status: criteria provided, multiple submitters, no conflicts (2 of 4 stars). 2 submissions from 2 submitters: Uncertain significance (2). Last evaluated 2023-02-01.

Conditions:
Familial temporal lobe epilepsy 7. Identifiers: Orphanet 101046, MedGen C4225327, MONDO:0014639, OMIM 616436.
Norman-Roberts syndrome (LIS2). Also called: Lissencephaly 2 (Norman-Roberts type). Identifiers: Orphanet 89844, MedGen C0796089, MONDO:0009760, OMIM 257320.

Allele frequency attached by ClinVar (database versions not stated): TOPMed 0.00002; gnomAD 0.00003; ExAC 0.00007; gnomAD exomes 0.00007.
gnomAD v4.1: 56 of 1,614,036 alleles (0.0035%); highest among the groups gnomAD compares: Non-Finnish European, 0.0042%; no homozygotes.

Submissions (2):

CeGaT Center for Human Genetics Tuebingen
Classification: Uncertain significance. Last evaluated: 2023-02-01. Review status: criteria provided, single submitter. Criteria: CeGaT Center For Human Genetics Tuebingen Variant Classification Criteria Version 2. Collection method: clinical testing. Allele origin: germline. Affected: yes. Observed: 1 variant allele.
Comment: RELN: PM2:Supporting, BP4

Labcorp Genetics (formerly Invitae), Labcorp
Classification: Uncertain significance for Familial temporal lobe epilepsy 7; Norman-Roberts syndrome. Last evaluated: 2022-07-04. Review status: criteria provided, single submitter. Criteria: Invitae Variant Classification Sherloc (09022015). Collection method: clinical testing. Allele origin: germline.
Comment: In summary, the available evidence is currently insufficient to determine the role of this variant in disease. Therefore, it has been classified as a Variant of Uncertain Significance. Algorithms developed to predict the effect of missense changes on protein structure and function (SIFT, PolyPhen-2, Align-GVGD) all suggest that this variant is likely to be tolerated. ClinVar contains an entry for this variant (Variation ID: 1404411). This variant has not been reported in the literature in individuals affected with RELN-related conditions. This variant is present in population databases (rs773318461, gnomAD 0.01%). This sequence change replaces isoleucine, which is neutral and non-polar, with phenylalanine, which is neutral and non-polar, at codon 3031 of the RELN protein (p.Ile3031Phe).